The following is an entry in ClinVar:

NM_001184.4(ATR):c.2017A>T (p.Ser673Cys)

Gene: ATR (ATR checkpoint kinase; minus strand). Cytogenetic location: 3q23.
Variant type: single nucleotide variant.
Coding change: c.2017A>T on transcript NM_001184.4 (MANE Select); coding-DNA position 2017, A replaced by T.
Protein change: p.Ser673Cys; replaces serine 673 with cysteine.
Molecular consequence: missense variant.
Genome position (GRCh38, 1-based): chr3:142,556,444, T>A on the plus strand (A>T on the coding strand, the complement: ATR is on the minus strand). VCF-style: chr3-142556444-T-A. GRCh37 (hg19) VCF-style: chr3-142275286-T-A.
Other names: c.1825A>T, p.Ser609Cys (NM_001354579.2); short protein forms S673C, S609C.
Identifiers: ClinVar variation 1784480 (VCV001784480.2), dbSNP rs2473398410, ClinGen allele CA354819202.

ClinVar aggregate classification (germline): Uncertain significance (1 of 4 stars; one submission).

Conditions:
Inborn genetic diseases. Identifiers: MedGen C0950123, MeSH D030342.

Submission:

Ambry Genetics
Classification: Uncertain significance for Inborn genetic diseases. Last evaluated: 2021-08-08. Review status: criteria provided, single submitter. Criteria: Ambry Variant Classification Scheme 2023. Collection method: clinical testing. Allele origin: germline.
Comment: The p.S673C variant (also known as c.2017A>T), located in coding exon 9 of the ATR gene, results from an A to T substitution at nucleotide position 2017. The serine at codon 673 is replaced by cysteine, an amino acid with dissimilar properties. This amino acid position is conserved. In addition, this alteration is predicted to be tolerated by in silico analysis. Since supporting evidence is limited at this time, the clinical significance of this alteration remains unclear.